The following is an entry in ClinVar:

NM_003401.5(XRCC4):c.449G>A (p.Arg150Lys)

Gene: XRCC4 (X-ray repair cross complementing 4; plus strand). Cytogenetic location: 5q14.2.
Variant type: single nucleotide variant.
Coding change: c.449G>A on transcript NM_003401.5 (MANE Select); coding-DNA position 449, G replaced by A.
Protein change: p.Arg150Lys; replaces arginine 150 with lysine.
Molecular consequence: missense variant.
Genome position (GRCh38, 1-based): chr5:83,195,903, G>A. VCF-style: chr5-83195903-G-A. GRCh37 (hg19) VCF-style: chr5-82491722-G-A.
Other names: c.449G>A, p.Arg150Lys (NM_022406.5, NM_022550.4, NM_001318012.3 and 1 more transcripts); short protein forms R150K.
Identifiers: ClinVar variation 1495877 (VCV001495877.6), dbSNP rs757278630, ClinGen allele CA3332161.

ClinVar aggregate classification (germline): Uncertain significance (1 of 4 stars; one submission).

Allele frequency attached by ClinVar (database versions not stated): gnomAD 0.00002; gnomAD exomes 0.00002 and 0.00006; ExAC 0.00007.
gnomAD v4.1: 36 of 1,611,208 alleles (0.0022%); highest among the groups gnomAD compares: South Asian, 0.037%; no homozygotes.

Submission:

Labcorp Genetics (formerly Invitae), Labcorp
Classification: Uncertain significance. Last evaluated: 2021-03-24. Review status: criteria provided, single submitter. Criteria: Invitae Variant Classification Sherloc (09022015). Collection method: clinical testing. Allele origin: germline.
Comment: In summary, the available evidence is currently insufficient to determine the role of this variant in disease. Therefore, it has been classified as a Variant of Uncertain Significance. This sequence change replaces arginine with lysine at codon 150 of the XRCC4 protein (p.Arg150Lys). The arginine residue is highly conserved and there is a small physicochemical difference between arginine and lysine. This variant is present in population databases (rs757278630, ExAC 0.05%). This variant has not been reported in the literature in individuals with XRCC4-related conditions. Algorithms developed to predict the effect of missense changes on protein structure and function are either unavailable or do not agree on the potential impact of this missense change (SIFT: "Not Available"; PolyPhen-2: "Possibly Damaging"; Align-GVGD: "Not Available").